The following is an entry in ClinVar:

NM_018975.4(TERF2IP):c.246G>C (p.Gln82His)

Gene: TERF2IP (TERF2 interacting protein; plus strand). Cytogenetic location: 16q23.1.
Variant type: single nucleotide variant.
Coding change: c.246G>C on transcript NM_018975.4 (MANE Select); coding-DNA position 246, G replaced by C.
Protein change: p.Gln82His; replaces glutamine 82 with histidine.
Molecular consequence: missense variant. On other transcripts: non-coding transcript variant (1).
Genome position (GRCh38, 1-based): chr16:75,648,128, G>C. VCF-style: chr16-75648128-G-C. GRCh37 (hg19) VCF-style: chr16-75682026-G-C.
Other names: short protein forms Q82H.
Identifiers: ClinVar variation 1791759 (VCV001791759.3), dbSNP rs754994064, ClinGen allele CA8177964.
Genomic context (GRCh38, chr16:75,648,128, plus strand): 5'-GCTGCTGGCCCAGCCCGGGGAGGCGCTGGCCGAGGCCTCGGGTGATTTCATCTCCACGCA[G>C]TACATCCTGGACTGCGTGGAGCGCAACGAGAGGCTGGAGCTGGAGGCCTATCGGCTGGGC-3'
Protein context (NP_061848.2, residues 72-92): AEASGDFIST[Gln82His]YILDCVERNE

ClinVar aggregate classification (germline): Uncertain significance (1 of 4 stars; one submission).

Allele frequency attached by ClinVar (database versions not stated): gnomAD exomes below 0.00001; TOPMed below 0.00001; gnomAD 0.00001; ExAC 0.00005.

Submission:

Ambry Genetics
Classification: Uncertain significance. Last evaluated: 2024-11-01. Review status: criteria provided, single submitter. Criteria: Ambry Variant Classification Scheme 2023. Collection method: clinical testing. Allele origin: germline.
Comment: The p.Q82H variant (also known as c.246G>C), located in coding exon 1 of the TERF2IP gene, results from a G to C substitution at nucleotide position 246. The glutamine at codon 82 is replaced by histidine, an amino acid with highly similar properties. This amino acid position is conserved. In addition, this alteration is predicted to be tolerated by in silico analysis. Since supporting evidence is limited at this time, the clinical significance of this alteration remains unclear.